The following is an entry in ClinVar:

ClinVar aggregate classification (germline): Uncertain significance (1 of 4 stars; one submission).

Conditions:
Hereditary breast ovarian cancer syndrome. Also called: Hereditary breast and ovarian cancer; Hereditary breast and/or ovarian cancer syndrome; Breast and ovarian cancer; BRCA1- and BRCA2-Associated Hereditary Breast and Ovarian Cancer; Hereditary breast and ovarian cancer syndrome; Hereditary breast and ovarian cancer syndrome (HBOC). Identifiers: Orphanet 145, MedGen C0677776, MeSH D061325, MONDO:0003582. Disease mechanism: loss of function.

Submission:

Labcorp Genetics (formerly Invitae), Labcorp
Classification: Uncertain significance for Hereditary breast ovarian cancer syndrome. Last evaluated: 2021-03-09. Review status: criteria provided, single submitter. Criteria: Invitae Variant Classification Sherloc (09022015). Collection method: clinical testing. Allele origin: germline.
Comment: This sequence change replaces lysine with threonine at codon 1452 of the BRCA1 protein (p.Lys1452Thr). The lysine residue is weakly conserved and there is a moderate physicochemical difference between lysine and threonine. This variant is not present in population databases (ExAC no frequency). This variant has not been reported in the literature in individuals with BRCA1-related conditions. Algorithms developed to predict the effect of missense changes on protein structure and function output the following: SIFT: "Tolerated"; PolyPhen-2: "Benign"; Align-GVGD: "Class C0". The threonine amino acid residue is found in multiple mammalian species, suggesting that this missense change does not adversely affect protein function. These predictions have not been confirmed by published functional studies and their clinical significance is uncertain. In summary, the available evidence is currently insufficient to determine the role of this variant in disease. Therefore, it has been classified as a Variant of Uncertain Significance.

NM_007294.4(BRCA1):c.4355A>C (p.Lys1452Thr)

Gene: BRCA1 (BRCA1 DNA repair associated; minus strand). Cytogenetic location: 17q21.31.
Variant type: single nucleotide variant.
Coding change: c.4355A>C on transcript NM_007294.4 (MANE Select); coding-DNA position 4355, A replaced by C.
Protein change: p.Lys1452Thr; replaces lysine 1452 with threonine.
Molecular consequence: missense variant. On other transcripts: non-coding transcript variant (1).
Genome position (GRCh38, 1-based): chr17:43,082,406, T>G on the plus strand (A>C on the coding strand, the complement: BRCA1 is on the minus strand). VCF-style: chr17-43082406-T-G. GRCh37 (hg19) VCF-style: chr17-41234423-T-G.
Other names: c.4274A>C, p.Lys1425Thr (NM_001407661.1, NM_001407662.1, NM_001407663.1 and 1 more transcripts); c.4232A>C, p.Lys1411Thr (NM_001407664.1, NM_001407665.1, NM_001407666.1 and 13 more transcripts); c.4355A>C, p.Lys1452Thr (NM_001407585.1, NM_001407596.1, NM_001407597.1 and 23 more transcripts); c.4352A>C, p.Lys1451Thr (NM_001407587.1, NM_001407610.1, NM_001407611.1 and 21 more transcripts); c.4142A>C, p.Lys1381Thr (NM_001407571.1, NM_001407853.1, NM_001407894.1 and 12 more transcripts); c.1043A>C, p.Lys348Thr (NM_001407991.1, NM_001407992.1, NM_001407980.1 and 18 more transcripts); c.1046A>C, p.Lys349Thr (NM_001407993.1, NM_001407976.1, NM_001407977.1 and 9 more transcripts); c.4229A>C, p.Lys1410Thr (NM_001407674.1, NM_001407675.1, NM_001407676.1 and 12 more transcripts); and 51 more; short protein forms K349T, K1452T, K1405T, K261T, K268T, K279T, K347T, K348T.
Identifiers: ClinVar variation 1346271 (VCV001346271.9), dbSNP rs2154144450, ClinGen allele CA10593013.
Genomic context (GRCh38, chr17:43,082,406, plus strand): 5'-ATAAAGGGGAAGGAAAGAATTTTGCTTAAGATATCAGTGTTTGGCCAACAATACACACCT[T>G]TTTCTGATGTGCTTTGTTCTGGATTTCGCAGGTCCTCAAGGGCAGAAGAGTCACTTATGA-3'
Protein context (NP_009225.1, residues 1442-1462): LRNPEQSTSE[Lys1452Thr]AVLTSQKSSE